The following is an entry in ClinVar:

ClinVar aggregate classification (germline): Benign/Likely benign. Review status: criteria provided, multiple submitters, no conflicts (2 of 4 stars). 6 submissions from 6 submitters: Benign (4); Likely benign (2). Last evaluated 2026-02-01.

Conditions:
Cerebral arteriopathy, autosomal dominant, with subcortical infarcts and leukoencephalopathy, type 1 (CADASIL1). Also called: DEMENTIA, HEREDITARY MULTIINFARCT TYPE; CADASIL 1; CASIL; Cerebral arteriopathy with subcortical infarcts and leukoencephalopathy 1. Identifiers: Orphanet 136, MedGen C4551768, MONDO:0000914, OMIM 125310.

Allele frequency attached by ClinVar (database versions not stated): ESP Exome Variant Server 0.00015; TOPMed 0.00315; 1000 Genomes Project 30x 0.00734; 1000 Genomes Project 0.00839.
gnomAD v4.1: 1,625 of 1,613,490 alleles (0.1%); highest among the groups gnomAD compares: East Asian, 3%; 27 homozygotes.

Submissions (6):

Labcorp Genetics (formerly Invitae), Labcorp
Classification: Benign. Last evaluated: 2026-02-01. Review status: criteria provided, single submitter. Criteria: Invitae Variant Classification Sherloc (09022015). Collection method: clinical testing. Allele origin: germline.

Mayo Clinic Laboratories, Mayo Clinic
Classification: Benign. Last evaluated: 2024-10-01. Review status: criteria provided, single submitter. Criteria: ACMG Guidelines, 2015. Collection method: clinical testing. Allele origin: germline. Observed: 5 variant alleles.
Comment: BS1, BS2

ARUP Laboratories, Molecular Genetics and Genomics, ARUP Laboratories
Classification: Benign. Last evaluated: 2020-04-01. Review status: criteria provided, single submitter. Criteria: ARUP Molecular Germline Variant Investigation Process. Collection method: clinical testing. Allele origin: germline.

Athena Diagnostics
Classification: Benign. Last evaluated: 2017-07-25. Review status: criteria provided, single submitter. Criteria: Athena Diagnostics Criteria. Collection method: clinical testing. Allele origin: germline.

Illumina Laboratory Services, Illumina
Classification: Likely benign for Cerebral arteriopathy, autosomal dominant, with subcortical infarcts and leukoencephalopathy, type 1. Last evaluated: 2017-04-27. Review status: criteria provided, single submitter. Criteria: ICSL Variant Classification Criteria 13 December 2019. Collection method: clinical testing. Allele origin: germline.
Comment: This variant was observed as part of a predisposition screen in an ostensibly healthy population. A literature search was performed for the gene, cDNA change, and amino acid change (where applicable). No publications were found based on this search. Allele frequency data from public databases allowed determination this variant is unlikely to cause disease. Therefore, this variant is classified as likely benign.

Breakthrough Genomics
Classification: Likely benign. Review status: criteria provided, single submitter. Criteria: ACMG Guidelines, 2015. Collection method: not provided. Allele origin: germline. Inheritance: Autosomal dominant inheritance. Affected: yes.

NM_000435.3(NOTCH3):c.1620G>T (p.Thr540=)

Gene: NOTCH3 (notch receptor 3; minus strand). Cytogenetic location: 19p13.12.
Variant type: single nucleotide variant.
Coding change: c.1620G>T on transcript NM_000435.3 (MANE Select); coding-DNA position 1620, G replaced by T.
Protein change: p.Thr540=; no amino-acid change (threonine 540 retained).
Molecular consequence: synonymous variant.
Genome position (GRCh38, 1-based): chr19:15,187,325, C>A on the plus strand (G>T on the coding strand, the complement: NOTCH3 is on the minus strand). VCF-style: chr19-15187325-C-A. GRCh37 (hg19) VCF-style: chr19-15298136-C-A.
Other names: p.Thr540=.
Identifiers: ClinVar variation 328410 (VCV000328410.24), dbSNP rs75617410, ClinGen allele CA9263596.